The following is an entry in ClinVar:

ClinVar aggregate classification (germline): Likely benign (0 of 4 stars; one submission).

Conditions:
VTN-related disorder. Also called: VTN-related condition.

Allele frequency attached by ClinVar (database versions not stated): gnomAD 0.00001; gnomAD exomes 0.00001; TOPMed 0.00001; ExAC 0.00003.

Submission:

PreventionGenetics, part of Exact Sciences
Classification: Likely benign for VTN-related condition. Last evaluated: 2023-11-03. Review status: no assertion criteria provided. Collection method: clinical testing. Allele origin: germline.
Comment: This variant is classified as likely benign based on ACMG/AMP sequence variant interpretation guidelines (Richards et al. 2015 PMID: 25741868, with internal and published modifications).

NM_000638.4(VTN):c.*6dup

Gene: VTN (vitronectin; minus strand). Cytogenetic location: 17q11.2.
Variant type: Duplication.
Coding change: c.*6dup on transcript NM_000638.4 (MANE Select); 6 bases downstream of the stop codon, one base duplicated (A; older notation c.*6dupA).
Molecular consequence: 3 prime UTR variant.
Genome position (GRCh38, 1-based): chr17:28,367,363, T duplicated on the plus strand (A on the coding strand, the reverse complement: VTN is on the minus strand). VCF-style (leftmost placement, unchanged base first): chr17-28367362-C-CT. GRCh37 (hg19) VCF-style: chr17-26694383-C-CT.
Identifiers: ClinVar variation 3032807 (VCV003032807.2), dbSNP rs782574804, ClinGen allele CA8457326.
Genomic context (GRCh38, chr17:28,367,362, plus strand): 5'-TATTGGGCTGGGGGAAGGAGATGGGAGGAGGGAGCTACAGAGGGCCCGGCCATGTGGGCT[C>CT]TGACTCCTACAGATGGCCAGGAGCTGGGCAGCCCAGCCAGTACTGAGCGATGGAGCGTGG-3'